The following is an entry in ClinVar:

NM_006363.6(SEC23B):c.757C>T (p.Pro253Ser)

Gene: SEC23B (SEC23 homolog B, COPII component; plus strand). Cytogenetic location: 20p11.23.
Variant type: single nucleotide variant.
Coding change: c.757C>T on transcript NM_006363.6 (MANE Select); coding-DNA position 757, C replaced by T.
Protein change: p.Pro253Ser; replaces proline 253 with serine.
Molecular consequence: missense variant.
Genome position (GRCh38, 1-based): chr20:18,525,855, C>T. VCF-style: chr20-18525855-C-T. GRCh37 (hg19) VCF-style: chr20-18506499-C-T.
Other names: c.757C>T (NM_006363.4); c.757C>T, p.Pro253Ser (NM_001172745.3, NM_032985.6, NM_032986.5); c.703C>T, p.Pro235Ser (NM_001172746.3); short protein forms P235S, P253S.
Identifiers: ClinVar variation 2040221 (VCV002040221.2), dbSNP rs776332647, ClinGen allele CA9778118.
Genomic context (GRCh38, chr20:18,525,855, plus strand): 5'-CAGCCTGTTCACAAGATTGATATGAACCTCACTGATCTTCTTGGGGAGCTACAGAGGGAC[C>T]CATGGCCAGTAACTCAGGGGAAGAGACCTTTGCGATCCACTGGTGTGGCTTTGTCCATTG-3'
Protein context (NP_006354.2, residues 243-263): TDLLGELQRD[Pro253Ser]WPVTQGKRPL

ClinVar aggregate classification (germline): Uncertain significance. Review status: criteria provided, multiple submitters, no conflicts (2 of 4 stars). 2 submissions from 2 submitters: Uncertain significance (2). Last evaluated 2023-12-26.

Conditions:
Congenital dyserythropoietic anemia, type II (CDAN2). Also called: DYSERYTHROPOIETIC ANEMIA, HEMPAS TYPE. Identifiers: Orphanet 98873, MedGen C1306589, MONDO:0009134, OMIM 224100.
Cowden syndrome 7 (CWS7). Identifiers: Orphanet 201, MedGen C4225179, MONDO:0014802, OMIM 616858.
Inborn genetic diseases. Identifiers: MedGen C0950123, MeSH D030342.

Allele frequency attached by ClinVar (database versions not stated): ExAC 0.00002.

Submissions (2):

Ambry Genetics
Classification: Uncertain significance for Inborn genetic diseases. Last evaluated: 2023-12-26. Review status: criteria provided, single submitter. Criteria: Ambry Variant Classification Scheme 2023. Collection method: clinical testing. Allele origin: germline.

Labcorp Genetics (formerly Invitae), Labcorp
Classification: Uncertain significance for Congenital dyserythropoietic anemia, type II; Cowden syndrome 7. Last evaluated: 2022-08-21. Review status: criteria provided, single submitter. Criteria: Invitae Variant Classification Sherloc (09022015). Collection method: clinical testing. Allele origin: germline.
Comment: This sequence change replaces proline, which is neutral and non-polar, with serine, which is neutral and polar, at codon 253 of the SEC23B protein (p.Pro253Ser). This variant is present in population databases (rs776332647, gnomAD 0.004%). This variant has not been reported in the literature in individuals affected with SEC23B-related conditions. Algorithms developed to predict the effect of missense changes on protein structure and function are either unavailable or do not agree on the potential impact of this missense change (SIFT: "Tolerated"; PolyPhen-2: "Possibly Damaging"; Align-GVGD: "Class C0"). In summary, the available evidence is currently insufficient to determine the role of this variant in disease. Therefore, it has been classified as a Variant of Uncertain Significance.